The following is an entry in ClinVar:

NM_001243133.2(NLRP3):c.2048A>G (p.His683Arg)

Gene: NLRP3 (NLR family pyrin domain containing 3; plus strand). Cytogenetic location: 1q44.
Variant type: single nucleotide variant.
Coding change: c.2048A>G on transcript NM_001243133.2 (MANE Select); coding-DNA position 2048, A replaced by G.
Protein change: p.His683Arg; replaces histidine 683 with arginine.
Molecular consequence: missense variant.
Genome position (GRCh38, 1-based): chr1:247,425,497, A>G. VCF-style: chr1-247425497-A-G. GRCh37 (hg19) VCF-style: chr1-247588799-A-G.
Other names: c.2048A>G, p.His683Arg (NM_001079821.3, NM_001127461.3, NM_001127462.3 and 1 more transcripts); c.2054A>G, p.His685Arg (NM_004895.5); short protein forms H685R, H683R.
Identifiers: ClinVar variation 1514648 (VCV001514648.6), dbSNP rs1662805530, ClinGen allele CA345558543.
Genomic context (GRCh38, chr1:247,425,497, plus strand): 5'-TTTCTTCCTTTTGCATTGAGAACTGTCATCGGGTGGAGTCACTGTCCCTGGGGTTTCTCC[A>G]TAACATGCCCAAGGAGGAAGAGGAGGAGGAAAAGGAAGGCCGACACCTTGATATGGTGCA-3'
Protein context (NP_001230062.1, residues 673-693): RVESLSLGFL[His683Arg]NMPKEEEEEE

ClinVar aggregate classification (germline): Uncertain significance (1 of 4 stars; one submission).

Conditions:
Cryopyrin associated periodic syndrome (CAPS). Identifiers: Orphanet 208650, MedGen C2316212, MONDO:0016168.

Allele frequency attached by ClinVar (database versions not stated): gnomAD 0.00001; gnomAD exomes 0.00002.
gnomAD v4.1: 24 of 1,614,064 alleles (0.0015%); highest among the groups gnomAD compares: Non-Finnish European, 0.0019%; no homozygotes.

Submission:

Labcorp Genetics (formerly Invitae), Labcorp
Classification: Uncertain significance for Cryopyrin associated periodic syndrome. Last evaluated: 2025-07-21. Review status: criteria provided, single submitter. Criteria: Invitae Variant Classification Sherloc (09022015). Collection method: clinical testing. Allele origin: germline.
Comment: This sequence change replaces histidine, which is basic and polar, with arginine, which is basic and polar, at codon 685 of the NLRP3 protein (p.His685Arg). This variant is not present in population databases (gnomAD no frequency). This variant has not been reported in the literature in individuals affected with NLRP3-related conditions. ClinVar contains an entry for this variant (Variation ID: 1514648). Invitae Evidence Modeling of protein sequence and biophysical properties (such as structural, functional, and spatial information, amino acid conservation, physicochemical variation, residue mobility, and thermodynamic stability) has been performed for this missense variant. However, the output from this modeling did not meet the statistical confidence thresholds required to predict the impact of this variant on NLRP3 protein function. In summary, the available evidence is currently insufficient to determine the role of this variant in disease. Therefore, it has been classified as a Variant of Uncertain Significance.